The following is an entry in ClinVar:

NM_004260.4(RECQL4):c.2735C>G (p.Ala912Gly)

Gene: RECQL4 (RecQ like helicase 4; minus strand). Cytogenetic location: 8q24.3.
Variant type: single nucleotide variant.
Coding change: c.2735C>G on transcript NM_004260.4 (MANE Select); coding-DNA position 2735, C replaced by G.
Protein change: p.Ala912Gly; replaces alanine 912 with glycine.
Molecular consequence: missense variant.
Genome position (GRCh38, 1-based): chr8:144,512,867, G>C on the plus strand (C>G on the coding strand, the complement: RECQL4 is on the minus strand). VCF-style: chr8-144512867-G-C. GRCh37 (hg19) VCF-style: chr8-145738250-G-C.
Other names: short protein forms A912G.
Identifiers: ClinVar variation 648251 (VCV000648251.5), dbSNP rs752408076, ClinGen allele CA187681353.
Genomic context (GRCh38, chr8:144,512,867, plus strand): 5'-AGCCCCTCCACACCCCTGTGGCTTACCCCAGGTTCCTCACCCTCCTCCGGCATGTCCAAA[G>C]CCTGTACGGTAAGCTGTATTGGGAGTGCCCGCTCATGGCCCATGCAGACCCTTCTGGGTC-3'
Protein context (NP_004251.4, residues 902-922): RALPIQLTVQ[Ala912Gly]LDMPEEAIET

ClinVar aggregate classification (germline): Uncertain significance (1 of 4 stars; one submission).

Conditions:
Baller-Gerold syndrome (BGS). Also called: CRANIOSYNOSTOSIS WITH RADIAL DEFECTS. Identifiers: Orphanet 1225, MedGen C0265308, MONDO:0009039, OMIM 218600.

gnomAD v4.1: 10 of 1,601,134 alleles (0.00062%); highest among the groups gnomAD compares: South Asian, 0.0011%; no homozygotes.

Submission:

Labcorp Genetics (formerly Invitae), Labcorp
Classification: Uncertain significance for Baller-Gerold syndrome. Last evaluated: 2022-08-22. Review status: criteria provided, single submitter. Criteria: Invitae Variant Classification Sherloc (09022015). Collection method: clinical testing. Allele origin: germline.
Comment: Algorithms developed to predict the effect of sequence changes on RNA splicing suggest that this variant may disrupt the consensus splice site. ClinVar contains an entry for this variant (Variation ID: 648251). This variant has not been reported in the literature in individuals affected with RECQL4-related conditions. This variant is not present in population databases (gnomAD no frequency). This sequence change replaces alanine, which is neutral and non-polar, with glycine, which is neutral and non-polar, at codon 912 of the RECQL4 protein (p.Ala912Gly). In summary, the available evidence is currently insufficient to determine the role of this variant in disease. Therefore, it has been classified as a Variant of Uncertain Significance.